The following is an entry in ClinVar:

NM_004064.5(CDKN1B):c.421C>A (p.Gln141Lys)

Gene: CDKN1B (cyclin dependent kinase inhibitor 1B; plus strand). Cytogenetic location: 12p13.1.
Variant type: single nucleotide variant.
Coding change: c.421C>A on transcript NM_004064.5 (MANE Select); coding-DNA position 421, C replaced by A.
Protein change: p.Gln141Lys; replaces glutamine 141 with lysine.
Molecular consequence: missense variant.
Genome position (GRCh38, 1-based): chr12:12,718,260, C>A. VCF-style: chr12-12718260-C-A. GRCh37 (hg19) VCF-style: chr12-12871194-C-A.
Other names: short protein forms Q141K.
Identifiers: ClinVar variation 1042941 (VCV001042941.12), dbSNP rs1946498768, ClinGen allele CA383970704.

ClinVar aggregate classification (germline): Conflicting classifications of pathogenicity. Review status: criteria provided, conflicting classifications (1 of 4 stars). 2 submissions from 2 submitters: Uncertain significance (1); Likely benign (1). Last evaluated 2025-01-29.

Conditions:
Multiple endocrine neoplasia type 4. Also called: MULTIPLE ENDOCRINE NEOPLASIA, TYPE IV. Identifiers: Orphanet 276152, MedGen C1970712, MONDO:0012552, OMIM 610755.
Hereditary cancer-predisposing syndrome. Also called: Hereditary neoplastic syndrome; Neoplastic Syndromes, Hereditary; Tumor predisposition; Hereditary Cancer Syndrome. Identifiers: Orphanet 140162, MedGen C0027672, MeSH D009386, MONDO:0015356.

Allele frequency attached by ClinVar (database versions not stated): TOPMed below 0.00001.

Submissions (2):

Ambry Genetics
Classification: Likely benign for Hereditary cancer-predisposing syndrome. Last evaluated: 2025-01-29. Review status: criteria provided, single submitter. Criteria: Ambry Variant Classification Scheme 2023. Collection method: clinical testing. Allele origin: germline.

Labcorp Genetics (formerly Invitae), Labcorp
Classification: Uncertain significance for Multiple endocrine neoplasia type 4. Last evaluated: 2024-03-28. Review status: criteria provided, single submitter. Criteria: Invitae Variant Classification Sherloc (09022015). Collection method: clinical testing. Allele origin: germline.
Comment: This sequence change replaces glutamine, which is neutral and polar, with lysine, which is basic and polar, at codon 141 of the CDKN1B protein (p.Gln141Lys). This variant is not present in population databases (gnomAD no frequency). This variant has not been reported in the literature in individuals affected with CDKN1B-related conditions. ClinVar contains an entry for this variant (Variation ID: 1042941). An algorithm developed to predict the effect of missense changes on protein structure and function (PolyPhen-2) suggests that this variant is likely to be tolerated. In summary, the available evidence is currently insufficient to determine the role of this variant in disease. Therefore, it has been classified as a Variant of Uncertain Significance.